The following is an entry in ClinVar:

NM_170606.3(KMT2C):c.3434-7dup

Gene: KMT2C (lysine methyltransferase 2C; minus strand). Cytogenetic location: 7q36.1.
Variant type: Duplication.
Coding change: c.3434-7dup on transcript NM_170606.3 (MANE Select); 7 bases into the intron before coding-DNA position 3434, one base duplicated (G; older notation c.3434-7dupG).
Molecular consequence: intron variant.
Genome position (GRCh38, 1-based): chr7:152,222,073, C duplicated on the plus strand (G on the coding strand, the reverse complement: KMT2C is on the minus strand). VCF-style (leftmost placement, unchanged base first): chr7-152222072-A-AC. GRCh37 (hg19) VCF-style: chr7-151919157-A-AC.
Identifiers: ClinVar variation 2658230 (VCV002658230.24), dbSNP rs2473507124, ClinGen allele CA2695199644.

ClinVar aggregate classification (germline): Uncertain significance (1 of 4 stars; one submission).

Submission:

CeGaT Center for Human Genetics Tuebingen
Classification: Uncertain significance. Last evaluated: 2022-10-01. Review status: criteria provided, single submitter. Criteria: CeGaT Center For Human Genetics Tuebingen Variant Classification Criteria Version 2. Collection method: clinical testing. Allele origin: germline. Affected: yes. Observed: 1 variant allele.
Comment: KMT2C: PM2, BP4